The following is an entry in ClinVar:

ClinVar aggregate classification (germline): Benign. Review status: criteria provided, multiple submitters, no conflicts (2 of 4 stars). 2 submissions from 2 submitters: Benign (2). Last evaluated 2018-01-12.

Conditions:
Congenital defect of folate absorption. Also called: Hereditary Folate Malabsorption. Identifiers: Orphanet 90045, MedGen C0342705, MONDO:0009238, OMIM 229050.

Allele frequency attached by ClinVar (database versions not stated): gnomAD exomes 0.56336; gnomAD 0.59382 and 0.59408; TOPMed 0.61416; 1000 Genomes Project 0.61661.
gnomAD v4.1: 207,477 of 359,870 alleles (58%); highest among the groups gnomAD compares: East Asian, 75%; 61,198 homozygotes.

Submissions (2):

Illumina Laboratory Services, Illumina
Classification: Benign for Congenital defect of folate absorption. Last evaluated: 2018-01-12. Review status: criteria provided, single submitter. Criteria: ICSL Variant Classification Criteria 13 December 2019. Collection method: clinical testing. Allele origin: germline.
Comment: This variant was observed in the ICSL laboratory as part of a predisposition screen in an ostensibly healthy population. It had not been previously curated by ICSL or reported in the Human Gene Mutation Database (HGMD: prior to June 1st, 2018), and was therefore a candidate for classification through an automated scoring system. Utilizing variant allele frequency, disease prevalence and penetrance estimates, and inheritance mode, an automated score was calculated to assess if this variant is too frequent to cause the disease. Based on the score and internal cut-off values, a variant classified as benign is not then subjected to further curation. The score for this variant resulted in a classification of benign for this disease.

Breakthrough Genomics
Classification: Benign. Review status: criteria provided, single submitter. Criteria: ACMG Guidelines, 2015. Collection method: not provided. Allele origin: germline. Inheritance: Autosomal recessive inheritance. Affected: yes.

NM_080669.6(SLC46A1):c.*4030C>T

Genes: SARM1 (sterile alpha and TIR motif containing 1; plus strand), SLC46A1 (solute carrier family 46 member 1; minus strand). Cytogenetic location: 17q11.2.
Variant type: single nucleotide variant.
Coding change: c.*4030C>T on transcript NM_080669.6 (MANE Select); 4030 bases downstream of the stop codon, C replaced by T.
Molecular consequence: 3 prime UTR variant. On other transcripts: intron variant (1).
Genome position (GRCh38, 1-based): chr17:28,395,626, G>A on the plus strand (C>T on the coding strand, the complement: SLC46A1 is on the minus strand). VCF-style: chr17-28395626-G-A. GRCh37 (hg19) VCF-style: chr17-26722645-G-A.
Other names: c.*4030C>T (NM_001242366.3); c.1924-279G>A (NM_015077.4).
Identifiers: ClinVar variation 322346 (VCV000322346.6), dbSNP rs8079943, ClinGen allele CA10649765.